The following is an entry in ClinVar:

NM_017426.4(NUP54):c.1121A>C (p.Gln374Pro)

Gene: NUP54 (nucleoporin 54; minus strand). Cytogenetic location: 4q21.1.
Variant type: single nucleotide variant.
Coding change: c.1121A>C on transcript NM_017426.4 (MANE Select); coding-DNA position 1121, A replaced by C.
Protein change: p.Gln374Pro; replaces glutamine 374 with proline.
Molecular consequence: missense variant. On other transcripts: non-coding transcript variant (2).
Genome position (GRCh38, 1-based): chr4:76,124,692, T>G on the plus strand (A>C on the coding strand, the complement: NUP54 is on the minus strand). VCF-style: chr4-76124692-T-G. GRCh37 (hg19) VCF-style: chr4-77045845-T-G.
Other names: c.977A>C, p.Gln326Pro (NM_001278603.2); short protein forms Q326P, Q374P.
Identifiers: ClinVar variation 3775866 (VCV003775866.1).
Genomic context (GRCh38, chr4:76,124,692, plus strand): 5'-AAAATCCAAATTACTACCTGTAAAGTTCTATGGGAAAGATCCATGAGTTTCCTCTTGTAT[T>G]GTGCAATTTTGGCTACAGATGTAGTTTGATTCTTTTGTAGCTCACTAATATCTTCAGATA-3'
Protein context (NP_059122.2, residues 364-384): NQTTSVAKIA[Gln374Pro]YKRKLMDLSH

ClinVar aggregate classification (germline): Uncertain significance (1 of 4 stars; one submission).

Conditions:
Dystonia 37, early-onset, with striatal lesions (DYT37). Identifiers: MedGen C5830592, MONDO:0957385, OMIM 620427.

Submission:

3billion
Classification: Uncertain significance for Dystonia 37, early-onset, with striatal lesions. Last evaluated: 2023-07-12. Review status: criteria provided, single submitter. Criteria: ACMG Guidelines, 2015. Collection method: clinical testing. Allele origin: germline. Affected: yes.
Comment: The variant is not observed in the gnomAD v2.1.1 dataset. Predicted Consequence/Location: Missense variant Therefore, this variant is classified as VUS according to the recommendation of ACMG/AMP guideline.